The following is an entry in ClinVar:

ClinVar aggregate classification (germline): Uncertain significance (1 of 4 stars; one submission).

Conditions:
Catecholaminergic polymorphic ventricular tachycardia (CVPT). Also called: Catecholamine-induced polymorphic ventricular tachycardia. Identifiers: Orphanet 3286, MedGen C5574922, MONDO:0017990.

Allele frequency attached by ClinVar (database versions not stated): gnomAD exomes below 0.00001.
gnomAD v4.1: 1 of 1,563,902 alleles (0.000064%); highest among the groups gnomAD compares: Non-Finnish European, 0.000087%; no homozygotes.

Submission:

All of Us Research Program, National Institutes of Health
Classification: Uncertain significance for Catecholaminergic polymorphic ventricular tachycardia. Last evaluated: 2023-02-24. Review status: criteria provided, single submitter. Criteria: ACMG Guidelines, 2015. Collection method: clinical testing. Allele origin: germline. Inheritance: Autosomal dominant inheritance. Observed: 1 variant allele, 1 heterozygote.
Comment: This missense variant replaces arginine with glycine at codon 908 of the RYR2 protein. Computational prediction suggests that this variant may have deleterious impact on protein structure and function (internally defined REVEL score threshold >= 0.7, PMID: 27666373). To our knowledge, functional studies have not been reported for this variant. This variant has not been reported in individuals affected with RYR2-related disorders in the literature. This variant has not been identified in the general population by the Genome Aggregation Database (gnomAD). The available evidence is insufficient to determine the role of this variant in disease conclusively. Therefore, this variant is classified as a Variant of Uncertain Significance.

This study involves interpretation of variants in research participants for the purpose of population health screening. Participant phenotype was not available at the time of variant classification. Additional details can be found in publication PMID: 35346344, PMCID: PMC8962531

NM_001035.3(RYR2):c.2722A>G (p.Arg908Gly)

Gene: RYR2 (ryanodine receptor 2; plus strand). Cytogenetic location: 1q43.
Variant type: single nucleotide variant.
Coding change: c.2722A>G on transcript NM_001035.3 (MANE Select); coding-DNA position 2722, A replaced by G.
Protein change: p.Arg908Gly; replaces arginine 908 with glycine.
Molecular consequence: missense variant.
Genome position (GRCh38, 1-based): chr1:237,511,691, A>G. VCF-style: chr1-237511691-A-G. GRCh37 (hg19) VCF-style: chr1-237674991-A-G.
Other names: short protein forms R908G.
Identifiers: ClinVar variation 3069650 (VCV003069650.1), dbSNP rs2545965805, ClinGen allele CA345383037.